The following is an entry in ClinVar:

NM_012330.4(KAT6B):c.5698A>G (p.Met1900Val)

Gene: KAT6B (lysine acetyltransferase 6B; plus strand). Cytogenetic location: 10q22.2.
Variant type: single nucleotide variant.
Coding change: c.5698A>G on transcript NM_012330.4 (MANE Select); coding-DNA position 5698, A replaced by G.
Protein change: p.Met1900Val; replaces methionine 1900 with valine.
Molecular consequence: missense variant.
Genome position (GRCh38, 1-based): chr10:75,030,522, A>G. VCF-style: chr10-75030522-A-G. GRCh37 (hg19) VCF-style: chr10-76790280-A-G.
Other names: c.5149A>G (NM_001256468.1); c.5149A>G, p.Met1717Val (NM_001256468.2, NM_001370138.1); c.4822A>G, p.Met1608Val (NM_001256469.2, NM_001370139.1, NM_001370140.1 and 2 more transcripts); c.4660A>G, p.Met1554Val (NM_001370132.1); c.4009A>G, p.Met1337Val (NM_001370133.1); c.3613A>G, p.Met1205Val (NM_001370134.1); c.3355A>G, p.Met1119Val (NM_001370135.1); c.5698A>G, p.Met1900Val (NM_001370136.1, NM_001370137.1); and 2 more; short protein forms M1608V, M1119V, M1205V, M1554V, M1337V, M1900V, M1545V, M1717V.
Identifiers: ClinVar variation 2087129 (VCV002087129.8), dbSNP rs779320993, ClinGen allele CA5565241.

ClinVar aggregate classification (germline): Uncertain significance. Review status: criteria provided, multiple submitters, no conflicts (2 of 4 stars). 4 submissions from 4 submitters: Uncertain significance (4). Last evaluated 2025-03-19.

Conditions:
Inborn genetic diseases. Identifiers: MedGen C0950123, MeSH D030342.
Genitopatellar syndrome (GTPTS). Also called: ABSENT PATELLAE, SCROTAL HYPOPLASIA, RENAL ANOMALIES, FACIAL DYSMORPHISM, AND MENTAL RETARDATION; Genitopatellar syndrome (GPS). Identifiers: Orphanet 85201, MedGen C1853566, MONDO:0011640, OMIM 606170.
Blepharophimosis - intellectual disability syndrome, SBBYS type (SBBYSS). Also called: Say-Barber-Biesecker-Young-Simpson variant of Ohdo Syndrome; Say-Barber-Biesecker Variant of Ohdo Syndrome; Ohdo syndrome, SBBYS variant; SBBYSS syndrome; Say-Barber-Biesecker-Young-Simpson syndrome; Young Simpson syndrome. Identifiers: Orphanet 3047, MedGen C1863557, MONDO:0011365, OMIM 603736.

Submissions (4):

Labcorp Genetics (formerly Invitae), Labcorp
Classification: Uncertain significance for Genitopatellar syndrome. Last evaluated: 2025-03-19. Review status: criteria provided, single submitter. Criteria: Invitae Variant Classification Sherloc (09022015). Collection method: clinical testing. Allele origin: germline.
Comment: This sequence change replaces methionine, which is neutral and non-polar, with valine, which is neutral and non-polar, at codon 1900 of the KAT6B protein (p.Met1900Val). This variant is present in population databases (rs779320993, gnomAD 0.006%). This variant has not been reported in the literature in individuals affected with KAT6B-related conditions. ClinVar contains an entry for this variant (Variation ID: 2087129). An algorithm developed to predict the effect of missense changes on protein structure and function (PolyPhen-2) suggests that this variant is likely to be disruptive. In summary, the available evidence is currently insufficient to determine the role of this variant in disease. Therefore, it has been classified as a Variant of Uncertain Significance.

Ambry Genetics
Classification: Uncertain significance for Inborn genetic diseases. Last evaluated: 2024-09-02. Review status: criteria provided, single submitter. Criteria: Ambry Variant Classification Scheme 2023. Collection method: clinical testing. Allele origin: germline.

Fulgent Genetics
Classification: Uncertain significance for Blepharophimosis - intellectual disability syndrome, SBBYS type; Genitopatellar syndrome. Last evaluated: 2024-01-31. Review status: criteria provided, single submitter. Criteria: ACMG Guidelines, 2015. Collection method: clinical testing. Allele origin: germline.

Laboratorio de Genetica e Diagnostico Molecular, Hospital Israelita Albert Einstein
Classification: Uncertain significance for Genitopatellar syndrome. Last evaluated: 2022-09-02. Review status: criteria provided, single submitter. Criteria: ACMG Guidelines, 2015. Collection method: clinical testing. Allele origin: germline. Affected: yes.
Comment: ACMG classification criteria: PM2 moderated